The following is an entry in ClinVar:

ClinVar aggregate classification (germline): Uncertain significance. Review status: criteria provided, multiple submitters, no conflicts (2 of 4 stars). 4 submissions from 4 submitters: Uncertain significance (3). 1 of the submissions does not count toward it. Last evaluated 2025-09-28.

Conditions:
Inborn genetic diseases. Identifiers: MedGen C0950123, MeSH D030342.
Retinal dystrophy. Also called: Inherited retinal dystrophy. Identifiers: Orphanet 71862, MedGen C0854723, MeSH D058499, MONDO:0019118, HP:0000556.

Allele frequency attached by ClinVar (database versions not stated): ExAC 0.00001; gnomAD exomes 0.00001.
gnomAD v4.1: 5 of 1,614,188 alleles (0.00031%); highest among the groups gnomAD compares: Non-Finnish European, 0.00034%; no homozygotes.

Submissions (4):

Ambry Genetics
Classification: Uncertain significance for Inborn genetic diseases. Last evaluated: 2025-09-28. Review status: criteria provided, single submitter. Criteria: Ambry Variant Classification Scheme 2023. Collection method: clinical testing. Allele origin: germline.

Labcorp Genetics (formerly Invitae), Labcorp
Classification: Uncertain significance. Last evaluated: 2022-11-08. Review status: criteria provided, single submitter. Criteria: Invitae Variant Classification Sherloc (09022015). Collection method: clinical testing. Allele origin: germline.
Comment: This variant is present in population databases (rs781682721, gnomAD 0.003%). In summary, the available evidence is currently insufficient to determine the role of this variant in disease. Therefore, it has been classified as a Variant of Uncertain Significance. Advanced modeling of protein sequence and biophysical properties (such as structural, functional, and spatial information, amino acid conservation, physicochemical variation, residue mobility, and thermodynamic stability) performed at Invitae indicates that this missense variant is not expected to disrupt CNGB1 protein function. ClinVar contains an entry for this variant (Variation ID: 1429620). This missense change has been observed in individual(s) with retinitis pigmentosa (Invitae). This sequence change replaces serine, which is neutral and polar, with tyrosine, which is neutral and polar, at codon 1026 of the CNGB1 protein (p.Ser1026Tyr).

Blueprint Genetics
Classification: Uncertain significance. Last evaluated: 2022-03-18. Review status: criteria provided, single submitter. Criteria: ACMG Guidelines, 2015. Collection method: clinical testing. Allele origin: germline.

Institute of Human Genetics, Univ. Regensburg, Univ. Regensburg
Classification: Uncertain significance for Retinal dystrophy. Last evaluated: 2023-01-01. Review status: no assertion criteria provided. Criteria: ACMG Guidelines, 2015. Collection method: clinical testing. Allele origin: germline. Affected: yes. Not counted in ClinVar's aggregate classification.

NM_001297.5(CNGB1):c.3077C>A (p.Ser1026Tyr)

Gene: CNGB1 (cyclic nucleotide gated channel subunit beta 1; minus strand). Cytogenetic location: 16q21.
Variant type: single nucleotide variant.
Coding change: c.3077C>A on transcript NM_001297.5 (MANE Select); coding-DNA position 3077, C replaced by A.
Protein change: p.Ser1026Tyr; replaces serine 1026 with tyrosine.
Molecular consequence: missense variant.
Genome position (GRCh38, 1-based): chr16:57,897,814, G>T on the plus strand (C>A on the coding strand, the complement: CNGB1 is on the minus strand). VCF-style: chr16-57897814-G-T. GRCh37 (hg19) VCF-style: chr16-57931718-G-T.
Other names: c.3077C>A (NM_001297.4); c.3059C>A, p.Ser1020Tyr (NM_001286130.2); short protein forms S1020Y, S1026Y.
Identifiers: ClinVar variation 1429620 (VCV001429620.9), dbSNP rs781682721, ClinGen allele CA8082703.